The following is an entry in ClinVar:

ClinVar aggregate classification (germline): Uncertain significance (3 of 4 stars; one submission).

Conditions:
Malignant hyperthermia of anesthesia. Also called: Anesthesic-triggered malignant hyperthermia. Identifiers: Orphanet 423, MedGen C0024591, MONDO:0018493, HP:0034733.

Submission:

ClinGen Malignant Hyperthermia Susceptibility Variant Curation Expert Panel, ClinGen
Classification: Uncertain significance for Malignant hyperthermia of anesthesia. Last evaluated: 2025-08-01. Review status: reviewed by expert panel. Criteria: ClinGen MHS ACMG Specifications V2. Collection method: curation. Allele origin: germline. Inheritance: Autosomal dominant inheritance.
Comment: This pathogenicity assessment is relevant only for malignant hyperthermia susceptibility (MHS) inherited in an autosomal dominant pattern. Variants in RYR1 can also cause other myopathies inherited in an autosomal dominant pattern or in an autosomal recessive pattern. Some of these disorders may predispose individuals to malignant hyperthermia. RYR1 variants may also contribute to a malignant hyperthermia reaction in combination with other genetic and non-genetic factors and the clinician needs to consider such factors in making management decisions. This sequence variant predicts a substitution of glutamic acid with glutamine at codon 3226 of the RYR1 protein, p.(Glu3226Gln). This variant was not present in a large population database (gnomAD) at the time this variant was interpreted. This variant has been reported in an individual who had a personal or family history of a malignant hyperthermia reaction, this individual had a positive in vitro contracture test (IVCT) or caffeine halothane contracture test (CHCT) result (if the proband was unavailable for testing, a positive diagnostic test result in a mutation-positive relative was counted), PS4_Supporting (PMID:30236257). No functional studies were identified for this variant. This variant does not reside in a hotspot for pathogenic variants that contribute to MHS. A REVEL score of 0.62 supports neither a pathogenic nor a benign status for this variant. This variant has been classified as a Variant of Unknown Significance. Criteria implemented: PS4_Moderate.

NM_000540.3(RYR1):c.9676G>C (p.Glu3226Gln)

Gene: RYR1 (ryanodine receptor 1; plus strand). Cytogenetic location: 19q13.2.
Variant type: single nucleotide variant.
Coding change: c.9676G>C on transcript NM_000540.3 (MANE Select); coding-DNA position 9676, G replaced by C.
Protein change: p.Glu3226Gln; replaces glutamic acid 3226 with glutamine.
Molecular consequence: missense variant.
Genome position (GRCh38, 1-based): chr19:38,516,208, G>C. VCF-style: chr19-38516208-G-C. GRCh37 (hg19) VCF-style: chr19-39006848-G-C.
Other names: NM_000540.3(RYR1):c.9676G>C; p.(Glu3226Gln); NM_001042723.2:c.9676G>C; c.9676G>C, p.Glu3226Gln (NM_001042723.2); short protein forms E3226Q.
Identifiers: ClinVar variation 1330366 (VCV001330366.3), dbSNP rs1970963163, ClinGen allele CA405690940.